The following is an entry in ClinVar:

NM_004360.5(CDH1):c.605T>C (p.Val202Ala)

Gene: CDH1 (cadherin 1; plus strand). Cytogenetic location: 16q22.1.
Variant type: single nucleotide variant.
Coding change: c.605T>C on transcript NM_004360.5 (MANE Select); coding-DNA position 605, T replaced by C.
Protein change: p.Val202Ala; replaces valine 202 with alanine.
Molecular consequence: missense variant. On other transcripts: 5 prime UTR variant (2).
Genome position (GRCh38, 1-based): chr16:68,808,766, T>C. VCF-style: chr16-68808766-T-C. GRCh37 (hg19) VCF-style: chr16-68842669-T-C.
Other names: c.605T>C, p.Val202Ala (NM_001317184.2); c.-1011T>C (NM_001317185.2); c.-1215T>C (NM_001317186.2); short protein forms V202A.
Identifiers: ClinVar variation 1361391 (VCV001361391.11), dbSNP rs1257844218, ClinGen allele CA396457997.

ClinVar aggregate classification (germline): Conflicting classifications of pathogenicity. Review status: criteria provided, conflicting classifications (1 of 4 stars). 2 submissions from 2 submitters: Uncertain significance (1); Likely benign (1). Last evaluated 2024-07-20.

Conditions:
Hereditary cancer-predisposing syndrome. Also called: Hereditary Cancer Syndrome; Hereditary neoplastic syndrome; Tumor predisposition; Neoplastic Syndromes, Hereditary. Identifiers: Orphanet 140162, MedGen C0027672, MeSH D009386, MONDO:0015356.
Hereditary diffuse gastric adenocarcinoma (HDGC). Also called: DIFFUSE GASTRIC AND LOBULAR BREAST CANCER SYNDROME. Identifiers: Orphanet 26106, MedGen C1708349, MONDO:0007648, OMIM 137215.

Allele frequency attached by ClinVar (database versions not stated): TOPMed below 0.00001.

Submissions (2):

Ambry Genetics
Classification: Likely benign for Hereditary cancer-predisposing syndrome. Last evaluated: 2024-07-20. Review status: criteria provided, single submitter. Criteria: Ambry Variant Classification Scheme 2023. Collection method: clinical testing. Allele origin: germline.

Labcorp Genetics (formerly Invitae), Labcorp
Classification: Uncertain significance for Hereditary diffuse gastric adenocarcinoma. Last evaluated: 2024-04-24. Review status: criteria provided, single submitter. Criteria: Invitae Variant Classification Sherloc (09022015). Collection method: clinical testing. Allele origin: germline.
Comment: This sequence change replaces valine, which is neutral and non-polar, with alanine, which is neutral and non-polar, at codon 202 of the CDH1 protein (p.Val202Ala). This variant is not present in population databases (gnomAD no frequency). This variant has not been reported in the literature in individuals affected with CDH1-related conditions. ClinVar contains an entry for this variant (Variation ID: 1361391). An algorithm developed to predict the effect of missense changes on protein structure and function (PolyPhen-2) suggests that this variant is likely to be tolerated. In summary, the available evidence is currently insufficient to determine the role of this variant in disease. Therefore, it has been classified as a Variant of Uncertain Significance.